The following is an entry in ClinVar:

NM_001009944.3(PKD1):c.3834C>G (p.Ser1278Arg)

Gene: PKD1 (polycystin 1, transient receptor potential channel interacting; minus strand). Cytogenetic location: 16p13.3.
Variant type: single nucleotide variant.
Coding change: c.3834C>G on transcript NM_001009944.3 (MANE Select); coding-DNA position 3834, C replaced by G.
Protein change: p.Ser1278Arg; replaces serine 1278 with arginine.
Molecular consequence: missense variant.
Genome position (GRCh38, 1-based): chr16:2,111,333, G>C on the plus strand (C>G on the coding strand, the complement: PKD1 is on the minus strand). VCF-style: chr16-2111333-G-C. GRCh37 (hg19) VCF-style: chr16-2161334-G-C.
Other names: c.3834C>G, p.Ser1278Arg (NM_000296.4); short protein forms S1278R.
Identifiers: ClinVar variation 5005535 (VCV005005535.2).

ClinVar aggregate classification (germline): Uncertain significance (1 of 4 stars; one submission).

Conditions:
Polycystic kidney disease, adult type (PKD1). Also called: POLYCYSTIC KIDNEY DISEASE, ADULT, TYPE I; Polycystic Kidney, Autosomal Dominant; Polycystic Kidney Disease 1, Autosomal Dominant; Polycystic kidney disease 1; Polycystic kidney disease 1, severe; POLYCYSTIC KIDNEY DISEASE 1 WITH OR WITHOUT POLYCYSTIC LIVER DISEASE. Identifiers: MedGen C3149841, MONDO:0008263, OMIM 173900.

Submission:

Juno Genomics, Hangzhou Juno Genomics, Inc
Classification: Uncertain significance for Polycystic kidney disease, adult type. Review status: criteria provided, single submitter. Criteria: ACMG Guidelines, 2015. Collection method: clinical testing. Allele origin: germline.
Comment: Absent from controls (or at extremely low frequency if recessive) in Genome Aggregation Database.;Multiple lines of computational evidence suggest no impact on gene or gene product.